The following is an entry in ClinVar:

ClinVar aggregate classification (germline): Uncertain significance (1 of 4 stars; one submission).

Conditions:
Hereditary spastic paraplegia 64. Also called: Spastic paraplegia 64, autosomal recessive; ENTPD1-Related Neurodevelopmental Disorder. Identifiers: Orphanet 401810, MedGen C3810289, MONDO:0014303, OMIM 615683.

Allele frequency attached by ClinVar (database versions not stated): gnomAD exomes below 0.00001.
gnomAD v4.1: 3 of 1,612,832 alleles (0.00019%); highest among the groups gnomAD compares: Admixed American, 0.0017%; no homozygotes.

Submission:

Labcorp Genetics (formerly Invitae), Labcorp
Classification: Uncertain significance for Hereditary spastic paraplegia 64. Last evaluated: 2022-06-04. Review status: criteria provided, single submitter. Criteria: Invitae Variant Classification Sherloc (09022015). Collection method: clinical testing. Allele origin: germline.
Comment: This sequence change falls in intron 9 of the ENTPD1 gene. It does not directly change the encoded amino acid sequence of the ENTPD1 protein. It affects a nucleotide within the consensus splice site. This variant is not present in population databases (gnomAD no frequency). This variant has not been reported in the literature in individuals affected with ENTPD1-related conditions. ClinVar contains an entry for this variant (Variation ID: 1348131). Variants that disrupt the consensus splice site are a relatively common cause of aberrant splicing (PMID: 17576681, 9536098). Algorithms developed to predict the effect of sequence changes on RNA splicing suggest that this variant is not likely to affect RNA splicing. In summary, the available evidence is currently insufficient to determine the role of this variant in disease. Therefore, it has been classified as a Variant of Uncertain Significance.

Literature cited by the submitters: PubMed 17576681; PubMed 9536098.

NM_001776.6(ENTPD1):c.1326+6T>C

Genes: ENTPD1 (ectonucleoside triphosphate diphosphohydrolase 1; plus strand), ENTPD1-AS1 (ENTPD1 antisense RNA 1; minus strand). Cytogenetic location: 10q24.1.
Variant type: single nucleotide variant.
Coding change: c.1326+6T>C on transcript NM_001776.6 (MANE Select); 6 bases into the intron after coding-DNA position 1326, T replaced by C.
Molecular consequence: intron variant.
Genome position (GRCh38, 1-based): chr10:95,864,867, T>C. VCF-style: chr10-95864867-T-C. GRCh37 (hg19) VCF-style: chr10-97624624-T-C.
Other names: c.1347+6T>C (NM_001098175.2); c.1002+6T>C (NM_001312654.1, NM_001164181.1); c.1362+6T>C (NM_001164178.1, NM_001320916.1); c.1203+6T>C (NM_001164179.2); c.912+6T>C (NM_001164182.2, NM_001164183.2).
Identifiers: ClinVar variation 1348131 (VCV001348131.6), dbSNP rs971522483, ClinGen allele CA212156520.
Genomic context (GRCh38, chr10:95,864,867, plus strand): 5'-GCAAGGCTATCATTTCACAGCTGATTCCTGGGAGCACATCCATTTCATTGGCAAGGTAAT[T>C]TGGGGGCCTGTTGGGCTGGGGGGAGGTTGGGGTTCGGTGGTAGTGACTGAAGCAGTTTGG-3'